The following is an entry in ClinVar:

ClinVar aggregate classification (germline): Uncertain significance. Review status: criteria provided, multiple submitters, no conflicts (2 of 4 stars). 3 submissions from 3 submitters: Uncertain significance (3). Last evaluated 2025-06-06.

Conditions:
Inborn genetic diseases. Identifiers: MedGen C0950123, MeSH D030342.

Allele frequency attached by ClinVar (database versions not stated): ExAC 0.00011; gnomAD 0.00015; ESP Exome Variant Server 0.00016; TOPMed 0.00020.
gnomAD v4.1: 54 of 1,609,838 alleles (0.0034%); highest among the groups gnomAD compares: African/African-American, 0.057%; no homozygotes.

Submissions (3):

Ambry Genetics
Classification: Uncertain significance for Inborn genetic diseases. Last evaluated: 2025-06-06. Review status: criteria provided, single submitter. Criteria: Ambry Variant Classification Scheme 2023. Collection method: clinical testing. Allele origin: germline.

GeneDx
Classification: Uncertain significance. Last evaluated: 2025-04-08. Review status: criteria provided, single submitter. Criteria: GeneDx Variant Classification Process June 2021. Collection method: clinical testing. Allele origin: germline. Affected: yes.
Comment: In silico analysis indicates that this missense variant does not alter protein structure/function; Has not been previously published as pathogenic or benign to our knowledge

Labcorp Genetics (formerly Invitae), Labcorp
Classification: Uncertain significance. Last evaluated: 2024-11-11. Review status: criteria provided, single submitter. Criteria: Invitae Variant Classification Sherloc (09022015). Collection method: clinical testing. Allele origin: germline.
Comment: This sequence change replaces glutamine, which is neutral and polar, with histidine, which is basic and polar, at codon 3838 of the HERC1 protein (p.Gln3838His). This variant is present in population databases (rs370468925, gnomAD 0.08%). This variant has not been reported in the literature in individuals affected with HERC1-related conditions. ClinVar contains an entry for this variant (Variation ID: 2199842). Invitae Evidence Modeling of protein sequence and biophysical properties (such as structural, functional, and spatial information, amino acid conservation, physicochemical variation, residue mobility, and thermodynamic stability) indicates that this missense variant is not expected to disrupt HERC1 protein function with a negative predictive value of 80%. In summary, the available evidence is currently insufficient to determine the role of this variant in disease. Therefore, it has been classified as a Variant of Uncertain Significance.

NM_003922.4(HERC1):c.11514G>C (p.Gln3838His)

Gene: HERC1 (HECT and RLD domain containing E3 ubiquitin protein ligase family member 1; minus strand). Cytogenetic location: 15q22.31.
Variant type: single nucleotide variant.
Coding change: c.11514G>C on transcript NM_003922.4 (MANE Select); coding-DNA position 11514, G replaced by C.
Protein change: p.Gln3838His; replaces glutamine 3838 with histidine.
Molecular consequence: missense variant.
Genome position (GRCh38, 1-based): chr15:63,641,563, C>G on the plus strand (G>C on the coding strand, the complement: HERC1 is on the minus strand). VCF-style: chr15-63641563-C-G. GRCh37 (hg19) VCF-style: chr15-63933762-C-G.
Other names: c.11514G>C (NM_003922.3); short protein forms Q3838H.
Identifiers: ClinVar variation 2199842 (VCV002199842.7), dbSNP rs370468925, ClinGen allele CA7604212.